The following is an entry in ClinVar:

ClinVar aggregate classification (germline): Pathogenic. Review status: criteria provided, multiple submitters, no conflicts (2 of 4 stars). 7 submissions from 7 submitters: Pathogenic (6). 1 of the submissions does not count toward it. Last evaluated 2025-10-06.

Conditions:
Inborn genetic diseases. Identifiers: MedGen C0950123, MeSH D030342.
KBG syndrome (KBGS). Also called: ANKRD11-Related KBG Syndrome. Identifiers: Orphanet 2332, MedGen C0220687, MONDO:0007846, OMIM 148050.

Submissions (7):

Labcorp Genetics (formerly Invitae), Labcorp
Classification: Pathogenic for KBG syndrome. Last evaluated: 2025-10-06. Review status: criteria provided, single submitter. Criteria: Invitae Variant Classification Sherloc (09022015). Collection method: clinical testing. Allele origin: germline.
Comment: This sequence change creates a premature translational stop signal (p.Arg601*) in the ANKRD11 gene. It is expected to result in an absent or disrupted protein product. Loss-of-function variants in ANKRD11 are known to be pathogenic (PMID: 21782149, 25125236, 25413698, 25652421). This variant is not present in population databases (gnomAD no frequency). This premature translational stop signal has been observed in individual(s) with ANKRD11-related conditions (PMID: 25533962, 27667800). In at least one individual the variant was observed to be de novo. ClinVar contains an entry for this variant (Variation ID: 280209). For these reasons, this variant has been classified as Pathogenic.

Ambry Genetics
Classification: Pathogenic for Inborn genetic diseases. Last evaluated: 2024-04-15. Review status: criteria provided, single submitter. Criteria: Ambry Variant Classification Scheme 2023. Collection method: clinical testing. Allele origin: germline.
Comment: The c.1801C>T (p.R601*) alteration, located in exon 9 (coding exon 7) of the ANKRD11 gene, consists of a C to T substitution at nucleotide position 1801. This changes the amino acid from a arginine (R) to a stop codon at amino acid position 601. This alteration is expected to result in loss of function by premature protein truncation or nonsense-mediated mRNA decay. This variant was not reported in population-based cohorts in the Genome Aggregation Database (gnomAD). This variant has been determined to be the result of a de novo mutation in two individuals with features consistent with KBG syndrome (Deciphering Developmental Disorders, 2015; Rastogi, 2022). Based on the available evidence, this alteration is classified as pathogenic.

Genomic Medicine Center of Excellence, King Faisal Specialist Hospital and Research Centre
Classification: Pathogenic for KBG syndrome. Last evaluated: 2024-04-04. Review status: criteria provided, single submitter. Criteria: ACMG Guidelines, 2015. Collection method: clinical testing. Allele origin: germline.

GeneDx
Classification: Pathogenic. Last evaluated: 2023-11-01. Review status: criteria provided, single submitter. Criteria: GeneDx Variant Classification Process June 2021. Collection method: clinical testing. Allele origin: germline. Affected: yes.
Comment: Identified in patients with features of ANKRD11-related KBG syndrome in published literature, including as a de novo variant with confirmed parentage (PMID: 25533962, 27667800); Nonsense variant predicted to result in protein truncation or nonsense mediated decay in a gene for which loss of function is a known mechanism of disease; Not observed at significant frequency in large population cohorts (gnomAD); This variant is associated with the following publications: (PMID: 25533962, 27667800, 28191890, 28135719)

Victorian Clinical Genetics Services, Murdoch Childrens Research Institute
Classification: Pathogenic for KBG syndrome. Last evaluated: 2023-07-16. Review status: criteria provided, single submitter. Criteria: ACMG Guidelines, 2015. Collection method: clinical testing. Allele origin: germline. Inheritance: Autosomal dominant inheritance. Affected: yes.
Comment: Based on the classification scheme VCGS_Germline_v1.3.4, this variant is classified as Pathogenic. Following criteria are met: 0102 - Loss of function is a known mechanism of disease in this gene and is associated with KBG syndrome (MIM#148050). (I) 0107 - This gene is associated with autosomal dominant disease. (I) 0115 - Variants in this gene are known to have variable expressivity. Intra-familial variability has been reported (PMID: 29258554). (I) 0201 - Variant is predicted to cause nonsense-mediated decay (NMD) and loss of protein (premature termination codon is located at least 54 nucleotides upstream of the final exon-exon junction). (SP) 0251 - This variant is heterozygous. (I) 0301 - Variant is absent from gnomAD (both v2 and v3). (SP) 0701 - Other NMD predicted variants comparable to the one identified in this case have very strong previous evidence for pathogenicity (ClinVar). (SP) 0801 - This variant has strong previous evidence of pathogenicity in unrelated individuals. This variant has been reported in multiple de novo individuals with KBG syndrome (ClinVar, DECIPHER, PMID: 35330407). (SP) Legend: (SP) - Supporting pathogenic, (I) - Information, (SB) - Supporting benign

Juno Genomics, Hangzhou Juno Genomics, Inc
Classification: Pathogenic for KBG syndrome. Review status: criteria provided, single submitter. Criteria: ACMG Guidelines, 2015. Collection method: clinical testing. Allele origin: germline. Affected: yes.
Comment: Absent from controls (or at extremely low frequency if recessive) in Genome Aggregation Database.;Null variant in a gene where loss of function (LOF) is a known mechanism of disease.;The prevalence of the variant in affected individuals is significantly increased compared to the prevalence in controls.;De novo (both maternity and paternity confirmed) in a patient with the disease and no family history.

Centre de Biologie Pathologie Génétique, Centre Hospitalier Universitaire de Lille
Classification: Pathogenic for KBG syndrome. Last evaluated: 2019-01-01. Review status: no assertion criteria provided. Collection method: clinical testing. Allele origin: de novo. Affected: yes. Not counted in ClinVar's aggregate classification.

Literature cited by the submitters: PubMed 21782149 (cited by Labcorp Genetics (formerly Invitae), Labcorp); PubMed 25125236 (cited by Labcorp Genetics (formerly Invitae), Labcorp); PubMed 25413698 (cited by Labcorp Genetics (formerly Invitae), Labcorp); PubMed 25652421 (cited by Labcorp Genetics (formerly Invitae), Labcorp); PubMed 25533962 (cited by Labcorp Genetics (formerly Invitae), Labcorp and Ambry Genetics); PubMed 27667800 (cited by Labcorp Genetics (formerly Invitae), Labcorp); PubMed 35906703 (cited by Ambry Genetics); PubMed 29258554 (cited by Victorian Clinical Genetics Services, Murdoch Childrens Research Institute); PubMed 35330407 (cited by Victorian Clinical Genetics Services, Murdoch Childrens Research Institute).

NM_013275.6(ANKRD11):c.1801C>T (p.Arg601Ter)

Gene: ANKRD11 (ankyrin repeat domain 11; minus strand). Cytogenetic location: 16q24.3.
Variant type: single nucleotide variant.
Coding change: c.1801C>T on transcript NM_013275.6 (MANE Select); coding-DNA position 1801, C replaced by T.
Protein change: p.Arg601Ter; replaces arginine 601 with a stop codon.
Molecular consequence: nonsense.
Genome position (GRCh38, 1-based): chr16:89,284,741, G>A on the plus strand (C>T on the coding strand, the complement: ANKRD11 is on the minus strand). VCF-style: chr16-89284741-G-A. GRCh37 (hg19) VCF-style: chr16-89351149-G-A.
Other names: c.1801C>T, p.Arg601Ter (NM_001256182.2, NM_001256183.2); c.1801C>T (NM_013275.4); short protein forms R601*.
Identifiers: ClinVar variation 280209 (VCV000280209.12), dbSNP rs772229371, ClinGen allele CA10603567.
Genomic context (GRCh38, chr16:89,284,741, plus strand): 5'-TGGGGACAGCGCCCTCCGCGCTGGACAGGAAGGGGCTCTTCTTCTCCGACAGGGAGGCTC[G>A]CTTCCTGTGCTCCTGCCTCTTCCTCACTGGCTTCAGCGATTCCACACTGGAGCCCTCAGA-3'